The following is an entry in ClinVar:

NM_000377.3(WAS):c.1315_1453+204del

Gene: WAS (WASP actin nucleation promoting factor; plus strand). Cytogenetic location: Xp11.23.
Variant type: Deletion.
Coding change: c.1315_1453+204del on transcript NM_000377.3 (MANE Select); coding-DNA position 1315 through 204 bases into the intron after coding-DNA position 1453, 596 bases deleted.
Molecular consequence: splice acceptor variant, splice donor variant.
Genome position (GRCh38, 1-based): chrX:48,689,043-48,689,638, 596 bases deleted. GRCh37 (hg19): chrX:48,547,432-48,548,027.
Identifiers: ClinVar variation 638573 (VCV000638573.2), dbSNP rs1602179794, ClinGen allele CA915951088.

ClinVar aggregate classification (germline): Pathogenic (0 of 4 stars; one submission).

Conditions:
Wiskott-Aldrich syndrome (WAS). Also called: WISKOTT-ALDRICH SYNDROME 1; Wiskott-aldrich syndrome, somatic; ALDRICH SYNDROME; IMMUNODEFICIENCY 2. Identifiers: Orphanet 906, MedGen C0043194, MONDO:0010518, OMIM 301000.

Submission:

San Raffaele Telethon Institute for Gene Therapy, San Raffaele Hospital
Classification: Pathogenic for WISKOTT-ALDRICH SYNDROME. Last evaluated: 2012-02-15. Review status: no assertion criteria provided. Collection method: clinical testing. Allele origin: maternal. Affected: yes.
Comment: X-linked recessive immunodeficiency characterized by thrombocytopenia, eczema, and recurrent infections

Literature cited by the submitters: PubMed 30981783.